The following is an entry in ClinVar:

NM_001164508.2(NEB):c.22513G>A (p.Gly7505Ser)

Genes: NEB (nebulin; minus strand), RIF1 (replication timing regulatory factor 1; plus strand). Cytogenetic location: 2q23.3.
Variant type: single nucleotide variant.
Coding change: c.22513G>A on transcript NM_001164508.2 (MANE Select); coding-DNA position 22513, G replaced by A.
Protein change: p.Gly7505Ser; replaces glycine 7505 with serine.
Molecular consequence: missense variant.
Genome position (GRCh38, 1-based): chr2:151,519,735, C>T on the plus strand (G>A on the coding strand, the complement: NEB is on the minus strand). VCF-style: chr2-151519735-C-T. GRCh37 (hg19) VCF-style: chr2-152376249-C-T.
Other names: c.22513G>A, p.Gly7505Ser (NM_001164507.2); c.22618G>A, p.Gly7540Ser (NM_001271208.2); c.17410G>A, p.Gly5804Ser (NM_004543.5); c.17410G>A (NM_004543.4); short protein forms G7505S, G5804S, G7540S.
Identifiers: ClinVar variation 2167935 (VCV002167935.4), dbSNP rs777469560, ClinGen allele CA1906616.

ClinVar aggregate classification (germline): Uncertain significance. Review status: criteria provided, multiple submitters, no conflicts (2 of 4 stars). 3 submissions from 3 submitters: Uncertain significance (3). Last evaluated 2025-11-26.

Conditions:
Inborn genetic diseases. Identifiers: MedGen C0950123, MeSH D030342.
Nemaline myopathy 2 (NEM2). Also called: Nemaline myopathy 2, autosomal recessive. Identifiers: MedGen C1850569, MONDO:0009725, OMIM 256030.

Allele frequency attached by ClinVar (database versions not stated): gnomAD exomes 0.00001; TOPMed 0.00001; ExAC 0.00002.
gnomAD v4.1: 10 of 1,612,634 alleles (0.00062%); highest among the groups gnomAD compares: Middle Eastern, 0.017%; no homozygotes.

Submissions (3):

Ambry Genetics
Classification: Uncertain significance for Inborn genetic diseases. Last evaluated: 2025-11-26. Review status: criteria provided, single submitter. Criteria: Ambry Variant Classification Scheme 2023. Collection method: clinical testing. Allele origin: germline.

Blueprint Genetics
Classification: Uncertain significance. Last evaluated: 2024-04-03. Review status: criteria provided, single submitter. Criteria: ACMG Guidelines, 2015. Collection method: clinical testing. Allele origin: germline.

Labcorp Genetics (formerly Invitae), Labcorp
Classification: Uncertain significance for Nemaline myopathy 2. Last evaluated: 2021-09-24. Review status: criteria provided, single submitter. Criteria: Invitae Variant Classification Sherloc (09022015). Collection method: clinical testing. Allele origin: germline.
Comment: This sequence change replaces glycine with serine at codon 7540 of the NEB protein (p.Gly7540Ser). The glycine residue is moderately conserved and there is a small physicochemical difference between glycine and serine. This variant is present in population databases (rs777469560, ExAC 0.003%). This variant has not been reported in the literature in individuals with NEB-related conditions. Algorithms developed to predict the effect of missense changes on protein structure and function are either unavailable or do not agree on the potential impact of this missense change (SIFT: "Deleterious"; PolyPhen-2: "Not Available"; Align-GVGD: "Class C0"). In summary, the available evidence is currently insufficient to determine the role of this variant in disease. Therefore, it has been classified as a Variant of Uncertain Significance.